The following is an entry in ClinVar:

NM_183235.3(RAB27A):c.368G>A (p.Cys123Tyr)

Gene: RAB27A (RAB27A, member RAS oncogene family; minus strand). Cytogenetic location: 15q21.3.
Variant type: single nucleotide variant.
Coding change: c.368G>A on transcript NM_183235.3 (MANE Select); coding-DNA position 368, G replaced by A.
Protein change: p.Cys123Tyr; replaces cysteine 123 with tyrosine.
Molecular consequence: missense variant.
Genome position (GRCh38, 1-based): chr15:55,223,988, C>T on the plus strand (G>A on the coding strand, the complement: RAB27A is on the minus strand). VCF-style: chr15-55223988-C-T. GRCh37 (hg19) VCF-style: chr15-55516186-C-T.
Other names: c.368G>A, p.Cys123Tyr (NM_004580.5, NM_183234.3, NM_183236.3); short protein forms C123Y.
Identifiers: ClinVar variation 1947552 (VCV001947552.5), dbSNP rs1895697116, ClinGen allele CA392529847.

ClinVar aggregate classification (germline): Uncertain significance (1 of 4 stars; one submission).

Conditions:
Griscelli syndrome type 2 (GS2). Also called: GRISCELLI SYNDROME WITH HEMOPHAGOCYTIC SYNDROME; PAID SYNDROME; PARTIAL ALBINISM AND IMMUNODEFICIENCY SYNDROME. Identifiers: Orphanet 381, Orphanet 79477, MedGen C1868679, MONDO:0011872, OMIM 607624.

Allele frequency attached by ClinVar (database versions not stated): TOPMed below 0.00001.
gnomAD v4.1: 1 of 1,594,450 alleles (0.000063%); highest among the groups gnomAD compares: Non-Finnish European, 0.000086%; no homozygotes.

Submission:

Labcorp Genetics (formerly Invitae), Labcorp
Classification: Uncertain significance for Griscelli syndrome type 2. Last evaluated: 2022-10-14. Review status: criteria provided, single submitter. Criteria: Invitae Variant Classification Sherloc (09022015). Collection method: clinical testing. Allele origin: germline.
Comment: This sequence change replaces cysteine, which is neutral and slightly polar, with tyrosine, which is neutral and polar, at codon 123 of the RAB27A protein (p.Cys123Tyr). This variant is not present in population databases (gnomAD no frequency). This variant has not been reported in the literature in individuals affected with RAB27A-related conditions. Algorithms developed to predict the effect of missense changes on protein structure and function (SIFT, PolyPhen-2, Align-GVGD) all suggest that this variant is likely to be disruptive. In summary, the available evidence is currently insufficient to determine the role of this variant in disease. Therefore, it has been classified as a Variant of Uncertain Significance.